The following is an entry in ClinVar:

ClinVar aggregate classification (germline): Uncertain significance (1 of 4 stars; one submission).

Conditions:
Hereditary breast ovarian cancer syndrome. Also called: Hereditary breast and ovarian cancer syndrome; Hereditary breast and ovarian cancer syndrome (HBOC); BRCA1- and BRCA2-Associated Hereditary Breast and Ovarian Cancer; Hereditary breast and ovarian cancer; Breast and ovarian cancer; Hereditary breast and/or ovarian cancer syndrome. Identifiers: Orphanet 145, MedGen C0677776, MeSH D061325, MONDO:0003582. Disease mechanism: loss of function.

Submission:

Labcorp Genetics (formerly Invitae), Labcorp
Classification: Uncertain significance for Hereditary breast ovarian cancer syndrome. Last evaluated: 2024-08-22. Review status: criteria provided, single submitter. Criteria: Invitae Variant Classification Sherloc (09022015). Collection method: clinical testing. Allele origin: germline.
Comment: This sequence change replaces glutamic acid, which is acidic and polar, with aspartic acid, which is acidic and polar, at codon 141 of the BRCA1 protein (p.Glu141Asp). This variant is present in population databases (rs777102216, gnomAD 0.007%). This variant has not been reported in the literature in individuals affected with BRCA1-related conditions. Invitae Evidence Modeling of protein sequence and biophysical properties (such as structural, functional, and spatial information, amino acid conservation, physicochemical variation, residue mobility, and thermodynamic stability) indicates that this missense variant is not expected to disrupt BRCA1 protein function with a negative predictive value of 95%. In summary, the available evidence is currently insufficient to determine the role of this variant in disease. Therefore, it has been classified as a Variant of Uncertain Significance.

NM_007294.4(BRCA1):c.423A>T (p.Glu141Asp)

Gene: BRCA1 (BRCA1 DNA repair associated; minus strand). Cytogenetic location: 17q21.31.
Variant type: single nucleotide variant.
Coding change: c.423A>T on transcript NM_007294.4 (MANE Select); coding-DNA position 423, A replaced by T.
Protein change: p.Glu141Asp; replaces glutamic acid 141 with aspartic acid.
Molecular consequence: missense variant. On other transcripts: intron variant (2).
Genome position (GRCh38, 1-based): chr17:43,104,140, T>A on the plus strand (A>T on the coding strand, the complement: BRCA1 is on the minus strand). VCF-style: chr17-43104140-T-A. GRCh37 (hg19) VCF-style: chr17-41256157-T-A.
Other names: c.213A>T, p.Glu71Asp (NM_001407949.1, NM_001407950.1, NM_001407951.1 and 58 more transcripts); c.42A>T, p.Glu14Asp (NM_001407959.1, NM_001407962.1, NM_001407960.1 and 4 more transcripts); c.282A>T, p.Glu94Asp (NM_001407964.1, NM_001407692.1, NM_001407694.1 and 99 more transcripts); c.423A>T, p.Glu141Asp (NM_001407633.1, NM_001407634.1, NM_001407635.1 and 164 more transcripts); c.414A>T, p.Glu138Asp (NM_001407646.1, NM_001407647.1, NM_001408408.1); c.345A>T, p.Glu115Asp (NM_001407653.1, NM_001407654.1, NM_001407655.1 and 21 more transcripts); c.291A>T, p.Glu97Asp (NM_001408451.1); c.-218-9280A>T (NM_001407967.1, NM_001407966.1); short protein forms E97D, E14D, E115D, E141D, E94D, E138D, E71D.
Identifiers: ClinVar variation 3634709 (VCV003634709.2).
Genomic context (GRCh38, chr17:43,104,140, plus strand): 5'-AGAAAAGAAGAAGAAGAAGAAGAAGAAAACAAATGGTTTTACCAAGGAAGGATTTTCGGG[T>A]TCACTCTGTAGAAGTCTTTTGGCACGGTTTCTGTAGCCCATACTTTGGATGATAGAAACT-3'
Protein context (NP_009225.1, residues 131-151): RNRAKRLLQS[Glu141Asp]PENPSLQETS